The following is an entry in ClinVar:

ClinVar aggregate classification (germline): Conflicting classifications of pathogenicity. Review status: criteria provided, conflicting classifications (1 of 4 stars). 4 submissions from 4 submitters: Uncertain significance (3); Likely benign (1). Last evaluated 2026-01-25.

Conditions:
Hearing impairment. Also called: Impaired Hearing. Identifiers: MedGen C1384666, MONDO:0005365, HP:0000365.

Allele frequency attached by ClinVar (database versions not stated): gnomAD 0.00002; gnomAD exomes 0.00002 and 0.00003; TOPMed 0.00003; ExAC 0.00004; ESP Exome Variant Server 0.00008.
gnomAD v4.1: 33 of 1,613,422 alleles (0.002%); highest among the groups gnomAD compares: Non-Finnish European, 0.0025%; no homozygotes.

Submissions (4):

Labcorp Genetics (formerly Invitae), Labcorp
Classification: Likely benign. Last evaluated: 2026-01-25. Review status: criteria provided, single submitter. Criteria: Invitae Variant Classification Sherloc (09022015). Collection method: clinical testing. Allele origin: germline.

Blueprint Genetics
Classification: Uncertain significance. Last evaluated: 2023-11-13. Review status: criteria provided, single submitter. Criteria: ACMG Guidelines, 2015. Collection method: clinical testing. Allele origin: germline.

Department of Otolaryngology – Head & Neck Surgery, Cochlear Implant Center
Classification: Uncertain significance for Hearing impairment. Last evaluated: 2021-04-12. Review status: criteria provided, single submitter. Criteria: ClinGen HL ACMG Specifications v1. Collection method: clinical testing. Allele origin: germline. Affected: yes.
Comment: PM2_Moderate

Laboratory for Molecular Medicine, Mass General Brigham Personalized Medicine
Classification: Uncertain significance. Last evaluated: 2017-01-25. Review status: criteria provided, single submitter. Criteria: LMM Criteria. Collection method: clinical testing. Allele origin: germline. Observed: 1 variant allele.
Comment: The p.Val1990Ala variant in GPR98 has not been previously reported in individual s with Usher syndrome or hearing loss, but has been identified in 5/65500 Europe an chromosomes by the Exome Aggregation Consortium (ExAC; dbSNP rs376559614). Computational prediction tools and conservation an alysis suggest that the p.Val1990Ala variant may impact the protein, though this information is not predictive enough to determine pathogenicity. In summary, th e clinical significance of the p.Val1990Ala variant is uncertain.

NM_032119.4(ADGRV1):c.5969T>C (p.Val1990Ala)

Gene: ADGRV1 (adhesion G protein-coupled receptor V1; plus strand). Cytogenetic location: 5q14.3.
Variant type: single nucleotide variant.
Coding change: c.5969T>C on transcript NM_032119.4 (MANE Select); coding-DNA position 5969, T replaced by C.
Protein change: p.Val1990Ala; replaces valine 1990 with alanine.
Molecular consequence: missense variant. On other transcripts: non-coding transcript variant (1).
Genome position (GRCh38, 1-based): chr5:90,683,890, T>C. VCF-style: chr5-90683890-T-C. GRCh37 (hg19) VCF-style: chr5-89979707-T-C.
Other names: short protein forms V1990A.
Identifiers: ClinVar variation 505428 (VCV000505428.12), dbSNP rs376559614, ClinGen allele CA3339693.
Genomic context (GRCh38, chr5:90,683,890, plus strand): 5'-TGGCTAGTGATGATCCATATGGGATATTCATTTTTTCTGAGAAAAACAGACCTGTTAAAG[T>C]TGAGGAAGCAACCCAGAACATCACACTATCAATAATAAGGTTGAAAGGCCTCATGGGAAA-3'
Protein context (NP_115495.3, residues 1980-2000): IFSEKNRPVK[Val1990Ala]EEATQNITLS